The following is an entry in ClinVar:

ClinVar aggregate classification (germline): Benign (0 of 4 stars; one submission).

Conditions:
KIF26B-related disorder. Also called: KIF26B-related condition.

Allele frequency attached by ClinVar (database versions not stated): gnomAD exomes 0.00051; ExAC 0.00159; 1000 Genomes Project 30x 0.00515; gnomAD 0.00557; ESP Exome Variant Server 0.00568; 1000 Genomes Project 0.00579; TOPMed 0.00657.
gnomAD v4.1: 1,623 of 1,613,488 alleles (0.1%); highest among the groups gnomAD compares: African/African-American, 1.8%; 16 homozygotes.

Submission:

PreventionGenetics, part of Exact Sciences
Classification: Benign for KIF26B-related condition. Last evaluated: 2019-05-02. Review status: no assertion criteria provided. Collection method: clinical testing. Allele origin: germline.
Comment: This variant is classified as benign based on ACMG/AMP sequence variant interpretation guidelines (Richards et al. 2015 PMID: 25741868, with internal and published modifications).

NM_018012.4(KIF26B):c.1128T>C (p.Thr376=)

Gene: KIF26B (kinesin family member 26B; plus strand). Cytogenetic location: 1q44.
Variant type: single nucleotide variant.
Coding change: c.1128T>C on transcript NM_018012.4 (MANE Select); coding-DNA position 1128, T replaced by C.
Protein change: p.Thr376=; no amino-acid change (threonine 376 retained).
Molecular consequence: synonymous variant.
Genome position (GRCh38, 1-based): chr1:245,419,707, T>C. VCF-style: chr1-245419707-T-C. GRCh37 (hg19) VCF-style: chr1-245583009-T-C.
Identifiers: ClinVar variation 3034065 (VCV003034065.2), dbSNP rs148234227, ClinGen allele CA1487574.
Genomic context (GRCh38, chr1:245,419,707, plus strand): 5'-AGACAAGCCTTCCGCCTGCAGTGTCCCAGCCTCGCAGGGCTCCTGCGTGGCCAGCGAGAC[T>C]TCCACAGGCACATCGGTGGCCGCCTCCTTCTTTGCACGGTAAGAGAGCTGTTCAGATCCT-3'
Protein context (NP_060482.2, residues 366-386): ASQGSCVASE[Thr376=]STGTSVAASF